The following is an entry in ClinVar:

NM_031844.3(HNRNPU):c.1439C>T (p.Pro480Leu)

Gene: HNRNPU (heterogeneous nuclear ribonucleoprotein U; minus strand). Cytogenetic location: 1q44.
Variant type: single nucleotide variant.
Coding change: c.1439C>T on transcript NM_031844.3 (MANE Select); coding-DNA position 1439, C replaced by T.
Protein change: p.Pro480Leu; replaces proline 480 with leucine.
Molecular consequence: missense variant.
Genome position (GRCh38, 1-based): chr1:244,858,066, G>A on the plus strand (C>T on the coding strand, the complement: HNRNPU is on the minus strand). VCF-style: chr1-244858066-G-A. GRCh37 (hg19) VCF-style: chr1-245021368-G-A.
Other names: c.1382C>T, p.Pro461Leu (NM_004501.3); short protein forms P480L, P461L.
Identifiers: ClinVar variation 532551 (VCV000532551.9), dbSNP rs1171471843, ClinGen allele CA345491576.

ClinVar aggregate classification (germline): Conflicting classifications of pathogenicity. Review status: criteria provided, conflicting classifications (1 of 4 stars). 2 submissions from 2 submitters: Uncertain significance (1); Likely benign (1). Last evaluated 2025-02-23.

Conditions:
Developmental and epileptic encephalopathy, 54. Also called: Epileptic encephalopathy, early infantile, 54; HNRNPU-Related Neurodevelopmental Disorder. Identifiers: MedGen C4479319, MONDO:0033363, OMIM 617391.

Allele frequency attached by ClinVar (database versions not stated): gnomAD exomes below 0.00001 and 0.00001; gnomAD 0.00001.
gnomAD v4.1: 5 of 1,613,658 alleles (0.00031%); highest among the groups gnomAD compares: African/African-American, 0.0053%; no homozygotes.

Submissions (2):

Labcorp Genetics (formerly Invitae), Labcorp
Classification: Uncertain significance for Developmental and epileptic encephalopathy, 54. Last evaluated: 2025-02-23. Review status: criteria provided, single submitter. Criteria: Invitae Variant Classification Sherloc (09022015). Collection method: clinical testing. Allele origin: germline.
Comment: This sequence change replaces proline, which is neutral and non-polar, with leucine, which is neutral and non-polar, at codon 480 of the HNRNPU protein (p.Pro480Leu). This variant is present in population databases (no rsID available, gnomAD 0.01%). This variant has not been reported in the literature in individuals affected with HNRNPU-related conditions. ClinVar contains an entry for this variant (Variation ID: 532551). Invitae Evidence Modeling of protein sequence and biophysical properties (such as structural, functional, and spatial information, amino acid conservation, physicochemical variation, residue mobility, and thermodynamic stability) indicates that this missense variant is not expected to disrupt HNRNPU protein function with a negative predictive value of 95%. In summary, the available evidence is currently insufficient to determine the role of this variant in disease. Therefore, it has been classified as a Variant of Uncertain Significance.

GeneDx
Classification: Likely benign. Last evaluated: 2019-08-23. Review status: criteria provided, single submitter. Criteria: GeneDx Variant Classification Process June 2021. Collection method: clinical testing. Allele origin: germline. Affected: yes.
Comment: In silico analysis, which includes protein predictors and evolutionary conservation, supports a deleterious effect; Has not been previously published as pathogenic or benign to our knowledge